The following is an entry in ClinVar:

NM_003896.4(ST3GAL5):c.686G>T (p.Gly229Val)

Gene: ST3GAL5 (ST3 beta-galactoside alpha-2,3-sialyltransferase 5; minus strand). Cytogenetic location: 2p11.2.
Variant type: single nucleotide variant.
Coding change: c.686G>T on transcript NM_003896.4 (MANE Select); coding-DNA position 686, G replaced by T.
Protein change: p.Gly229Val; replaces glycine 229 with valine.
Molecular consequence: missense variant. On other transcripts: 5 prime UTR variant (1).
Genome position (GRCh38, 1-based): chr2:85,846,540, C>A on the plus strand (G>T on the coding strand, the complement: ST3GAL5 is on the minus strand). VCF-style: chr2-85846540-C-A. GRCh37 (hg19) VCF-style: chr2-86073663-C-A.
Other names: c.617G>T, p.Gly206Val (NM_001042437.2); c.302G>T, p.Gly101Val (NM_001354223.2, NM_001354224.2, NM_001354226.2 and 3 more transcripts); c.602G>T, p.Gly201Val (NM_001354227.2, NM_001354229.2, NM_001354238.1); c.-38G>T (NM_001354247.1); c.686G>T, p.Gly229Val (NM_001363847.1); short protein forms G101V, G229V, G201V, G206V.
Identifiers: ClinVar variation 5030286 (VCV005030286.1).

ClinVar aggregate classification (germline): Uncertain significance (1 of 4 stars; one submission).

Conditions:
Inborn genetic diseases. Identifiers: MedGen C0950123, MeSH D030342.

gnomAD v4.1: 4 of 1,614,146 alleles (0.00025%); highest among the groups gnomAD compares: Non-Finnish European, 0.00034%; no homozygotes.

Submission:

Ambry Genetics
Classification: Uncertain significance for Inborn genetic diseases. Last evaluated: 2026-07-13. Review status: criteria provided, single submitter. Criteria: Ambry Variant Classification Scheme 2023. Collection method: clinical testing. Allele origin: germline.
Comment: The c.686G>T (p.G229V) alteration is located in exon 5 (coding exon 5) of the ST3GAL5 gene. This alteration results from a G to T substitution at nucleotide position 686, causing the glycine (G) at amino acid position 229 to be replaced by a valine (V). Based on data from gnomAD, the T allele has an overall frequency of <0.001% (1/251420) total alleles studied. The highest observed frequency was 0.001% (1/113724) of European (non-Finnish) alleles. Based on insufficient or conflicting evidence, the clinical significance of this alteration remains unclear.